The following is an entry in ClinVar:

ClinVar aggregate classification (germline): Uncertain significance. Review status: criteria provided, multiple submitters, no conflicts (2 of 4 stars). 2 submissions from 2 submitters: Uncertain significance (2). Last evaluated 2025-09-07.

Conditions:
JMJD1C-related disorder. Also called: JMJD1C-related condition.
Early Myoclonic Encephalopathy. Identifiers: MedGen C0270855.

Allele frequency attached by ClinVar (database versions not stated): gnomAD exomes below 0.00001.
gnomAD v4.1: 1 of 1,612,496 alleles (0.000062%); highest among the groups gnomAD compares: Non-Finnish European, 0.000085%; no homozygotes.

Submissions (2):

PreventionGenetics, part of Exact Sciences
Classification: Uncertain significance for JMJD1C-related condition. Last evaluated: 2025-09-07. Review status: criteria provided, single submitter. Criteria: ACMG Guidelines, 2015. Collection method: clinical testing. Allele origin: germline.
Comment: The JMJD1C c.187G>T variant is predicted to result in the amino acid substitution p.Asp63Tyr. To our knowledge, this variant has not been reported in the literature or in a large population database (gnomAD), indicating this variant is rare. At this time, the clinical significance of this variant is uncertain due to the absence of conclusive functional and genetic evidence.

Labcorp Genetics (formerly Invitae), Labcorp
Classification: Uncertain significance for Early Myoclonic Encephalopathy. Last evaluated: 2022-08-31. Review status: criteria provided, single submitter. Criteria: Invitae Variant Classification Sherloc (09022015). Collection method: clinical testing. Allele origin: germline.
Comment: This sequence change replaces aspartic acid, which is acidic and polar, with tyrosine, which is neutral and polar, at codon 63 of the JMJD1C protein (p.Asp63Tyr). This variant is not present in population databases (gnomAD no frequency). In summary, the available evidence is currently insufficient to determine the role of this variant in disease. Therefore, it has been classified as a Variant of Uncertain Significance. Algorithms developed to predict the effect of missense changes on protein structure and function are either unavailable or do not agree on the potential impact of this missense change (SIFT: "Deleterious"; PolyPhen-2: "Benign"; Align-GVGD: "Class C0"). This variant has not been reported in the literature in individuals affected with JMJD1C-related conditions.

NM_032776.3(JMJD1C):c.187G>T (p.Asp63Tyr)

Gene: JMJD1C (jumonji domain containing 1C; minus strand). Cytogenetic location: 10q21.3.
Variant type: single nucleotide variant.
Coding change: c.187G>T on transcript NM_032776.3 (MANE Select); coding-DNA position 187, G replaced by T.
Protein change: p.Asp63Tyr; replaces aspartic acid 63 with tyrosine.
Molecular consequence: missense variant. On other transcripts: 5 prime UTR variant (2).
Genome position (GRCh38, 1-based): chr10:63,380,464, C>A on the plus strand (G>T on the coding strand, the complement: JMJD1C is on the minus strand). VCF-style: chr10-63380464-C-A. GRCh37 (hg19) VCF-style: chr10-65140224-C-A.
Other names: c.187G>T (NM_032776.2); c.-360G>T (NM_001318154.2); c.187G>T, p.Asp63Tyr (NM_001322252.2); c.-365G>T (NM_001322258.2); short protein forms D63Y.
Identifiers: ClinVar variation 2088362 (VCV002088362.5), dbSNP rs2494242631, ClinGen allele CA377086935.